The following is an entry in ClinVar:

NM_176787.5(PIGN):c.704ATG[1] (p.Asp236del)

Gene: PIGN (phosphatidylinositol glycan anchor biosynthesis class N; minus strand). Cytogenetic location: 18q21.33.
Variant type: Microsatellite.
Coding change: c.704ATG[1] on transcript NM_176787.5 (MANE Select); one copy of the 3-base unit ATG starting at c.704; the reference has two copies in a row; one copy, 3 bases deleted.
Protein change: p.Asp236del; deletes aspartic acid 236.
Molecular consequence: inframe deletion.
Genome position (GRCh38, 1-based): chr18:62,147,067-62,147,069, CAT deleted on the plus strand (ATG on the coding strand, the reverse complement: PIGN is on the minus strand); deleting any 3 consecutive bases within chr18:62,147,067-62,147,074 gives the same sequence; the position shown is the placement nearest the transcript's 3' end. VCF-style (leftmost placement, unchanged base first): chr18-62147066-CCAT-C. GRCh37 (hg19) VCF-style: chr18-59814299-CCAT-C.
Other names: c.704ATG[1], p.Asp236del (NM_012327.6); short protein forms D236del.
Identifiers: ClinVar variation 1708008 (VCV001708008.2), dbSNP rs2513948424, ClinGen allele CA2580613005.
Genomic context (GRCh38, chr18:62,147,066, plus strand): 5'-AATGTTGTTTTCCCATCATTTCCATAGAAGTGGTTAAACATAGACACGATTTCTTTAACT[CCAT>C]CATCAACTTTTTTAATATTGTGCTTGTAGTCTCTATTTGTAAAGAAACAGAGGAACAAAT-3'

ClinVar aggregate classification (germline): Uncertain significance (1 of 4 stars; one submission).

Submission:

GeneDx
Classification: Uncertain significance. Last evaluated: 2022-03-18. Review status: criteria provided, single submitter. Criteria: GeneDx Variant Classification Process June 2021. Collection method: clinical testing. Allele origin: germline. Affected: yes.
Comment: Not observed at significant frequency in large population cohorts (gnomAD); In-frame deletion of 1 amino acid in a non-repeat region; In silico analysis supports a deleterious effect on protein structure/function; Has not been previously published as pathogenic or benign to our knowledge